The following is an entry in ClinVar:

ClinVar aggregate classification (germline): Uncertain significance (1 of 4 stars; one submission).

Allele frequency attached by ClinVar (database versions not stated): gnomAD exomes below 0.00001; ExAC 0.00001.
gnomAD v4.1: 2 of 1,614,144 alleles (0.00012%); highest among the groups gnomAD compares: Non-Finnish European, 0.00017%; no homozygotes.

Submission:

Labcorp Genetics (formerly Invitae), Labcorp
Classification: Uncertain significance. Last evaluated: 2023-12-11. Review status: criteria provided, single submitter. Criteria: Invitae Variant Classification Sherloc (09022015). Collection method: clinical testing. Allele origin: germline.
Comment: This sequence change replaces arginine, which is basic and polar, with glutamine, which is neutral and polar, at codon 714 of the C5 protein (p.Arg714Gln). This variant is present in population databases (rs756178305, gnomAD 0.0009%). This variant has not been reported in the literature in individuals affected with C5-related conditions. Advanced modeling of protein sequence and biophysical properties (such as structural, functional, and spatial information, amino acid conservation, physicochemical variation, residue mobility, and thermodynamic stability) performed at Invitae indicates that this missense variant is expected to disrupt C5 protein function with a positive predictive value of 80%. In summary, the available evidence is currently insufficient to determine the role of this variant in disease. Therefore, it has been classified as a Variant of Uncertain Significance.

NM_001735.3(C5):c.2141G>A (p.Arg714Gln)

Gene: C5 (complement C5; minus strand). Cytogenetic location: 9q33.2.
Variant type: single nucleotide variant.
Coding change: c.2141G>A on transcript NM_001735.3 (MANE Select); coding-DNA position 2141, G replaced by A.
Protein change: p.Arg714Gln; replaces arginine 714 with glutamine.
Molecular consequence: missense variant.
Genome position (GRCh38, 1-based): chr9:121,013,989, C>T on the plus strand (G>A on the coding strand, the complement: C5 is on the minus strand). VCF-style: chr9-121013989-C-T. GRCh37 (hg19) VCF-style: chr9-123776267-C-T.
Other names: c.2159G>A, p.Arg720Gln (NM_001317163.2); c.2141G>A, p.Arg714Gln (NM_001317164.2); short protein forms R720Q, R714Q.
Identifiers: ClinVar variation 2971527 (VCV002971527.2), dbSNP rs756178305, ClinGen allele CA5217856.